The following is an entry in ClinVar:

ClinVar aggregate classification (germline): Conflicting classifications of pathogenicity. Review status: criteria provided, conflicting classifications (1 of 4 stars). 5 submissions from 5 submitters: Uncertain significance (4); Benign (1). Last evaluated 2025-05-29.

Conditions:
Hereditary cancer-predisposing syndrome. Also called: Tumor predisposition; Neoplastic Syndromes, Hereditary; Hereditary neoplastic syndrome; Hereditary Cancer Syndrome. Identifiers: Orphanet 140162, MedGen C0027672, MeSH D009386, MONDO:0015356.
Multiple endocrine neoplasia, type 2 (MEN2). Identifiers: Orphanet 653, MedGen C4048306, MONDO:0019003. Disease mechanism: gain of function.
Ovarian cancer. Also called: OVARIAN CANCER, SOMATIC. Identifiers: Orphanet 213500, MedGen C1140680, MONDO:0008170, OMIM 167000.

Allele frequency attached by ClinVar (database versions not stated): gnomAD exomes below 0.00001.
gnomAD v4.1: 3 of 1,609,474 alleles (0.00019%); highest among the groups gnomAD compares: Middle Eastern, 0.017%; no homozygotes.

Submissions (5):

GeneDx
Classification: Uncertain significance. Last evaluated: 2025-05-29. Review status: criteria provided, single submitter. Criteria: GeneDx Variant Classification Process June 2021. Collection method: clinical testing. Allele origin: germline. Affected: yes.
Comment: Not observed at significant frequency in large population cohorts (gnomAD); In silico analysis suggests that this missense variant does not alter protein structure/function; Has not been previously published as pathogenic or benign to our knowledge; This variant is associated with the following publications: (PMID: 14633923)

Ambry Genetics
Classification: Uncertain significance for Hereditary cancer-predisposing syndrome. Last evaluated: 2025-05-02. Review status: criteria provided, single submitter. Criteria: Ambry Variant Classification Scheme 2023. Collection method: clinical testing. Allele origin: germline.
Comment: The p.V245M variant (also known as c.733G>A), located in coding exon 4 of the RET gene, results from a G to A substitution at nucleotide position 733. The valine at codon 245 is replaced by methionine, an amino acid with highly similar properties. This amino acid position is well conserved in available vertebrate species. In addition, this alteration is predicted to be tolerated by in silico analysis. Since supporting evidence is limited at this time, the clinical significance of this alteration remains unclear.

Labcorp Genetics (formerly Invitae), Labcorp
Classification: Uncertain significance for Multiple endocrine neoplasia, type 2. Last evaluated: 2023-12-31. Review status: criteria provided, single submitter. Criteria: Invitae Variant Classification Sherloc (09022015). Collection method: clinical testing. Allele origin: germline.
Comment: This sequence change replaces valine, which is neutral and non-polar, with methionine, which is neutral and non-polar, at codon 245 of the RET protein (p.Val245Met). This variant is not present in population databases (gnomAD no frequency). This variant has not been reported in the literature in individuals affected with RET-related conditions. ClinVar contains an entry for this variant (Variation ID: 851671). Algorithms developed to predict the effect of missense changes on protein structure and function output the following: SIFT: "Not Available"; PolyPhen-2: "Benign"; Align-GVGD: "Not Available". The methionine amino acid residue is found in multiple mammalian species, which suggests that this missense change does not adversely affect protein function. In summary, the available evidence is currently insufficient to determine the role of this variant in disease. Therefore, it has been classified as a Variant of Uncertain Significance.

All of Us Research Program, National Institutes of Health
Classification: Uncertain significance for Multiple endocrine neoplasia, type 2. Last evaluated: 2023-12-01. Review status: criteria provided, single submitter. Criteria: ACMG Guidelines, 2015. Collection method: clinical testing. Allele origin: germline. Inheritance: Autosomal dominant inheritance. Observed: 2 variant alleles, 2 heterozygotes.
Comment: This missense variant replaces valine with methionine at codon 245 of the RET protein. Computational prediction suggests that this variant may not impact protein structure and function (internally defined REVEL score threshold <= 0.5, PMID: 27666373). To our knowledge, functional studies have not been reported for this variant. This variant has not been reported in individuals affected with RET-related disorders in the literature. This variant has not been identified in the general population by the Genome Aggregation Database (gnomAD). The available evidence is insufficient to determine the role of this variant in disease conclusively. Therefore, this variant is classified as a Variant of Uncertain Significance.

This study involves interpretation of variants in research participants for the purpose of population health screening. Participant phenotype was not available at the time of variant classification. Additional details can be found in publication PMID: 35346344, PMCID: PMC8962531

Laboratory of Molecular Epidemiology of Birth Defects, West China Second University Hospital, Sichuan University
Classification: Benign for Ovarian cancer. Last evaluated: 2022-01-01. Review status: criteria provided, single submitter. Criteria: ACMG Guidelines, 2015. Collection method: clinical testing. Allele origin: germline. Affected: yes.

NM_020975.6(RET):c.733G>A (p.Val245Met)

Gene: RET (ret proto-oncogene; plus strand). Cytogenetic location: 10q11.21.
Variant type: single nucleotide variant.
Coding change: c.733G>A on transcript NM_020975.6 (MANE Select); coding-DNA position 733, G replaced by A.
Protein change: p.Val245Met; replaces valine 245 with methionine.
Molecular consequence: missense variant.
Genome position (GRCh38, 1-based): chr10:43,105,059, G>A. VCF-style: chr10-43105059-G-A. GRCh37 (hg19) VCF-style: chr10-43600507-G-A.
Other names: c.733G>A, p.Val245Met (NM_000323.2, NM_001406743.1, NM_001406744.1 and 8 more transcripts); c.-30G>A (NM_001355216.2); c.604G>A, p.Val202Met (NM_001406761.1, NM_001406762.1, NM_001406764.1 and 2 more transcripts); c.445G>A, p.Val149Met (NM_001406766.1, NM_001406767.1, NM_001406770.1); short protein forms V245M, V149M, V202M.
Identifiers: ClinVar variation 851671 (VCV000851671.15), dbSNP rs1837733068, ClinGen allele CA376544790.